The following is an entry in ClinVar:

ClinVar aggregate classification (germline): Uncertain significance (1 of 4 stars; one submission).

Conditions:
Familial adenomatous polyposis 1 (FAP1). Also called: FAMILIAL ADENOMATOUS POLYPOSIS 1, ATTENUATED; POLYPOSIS, ADENOMATOUS INTESTINAL. Identifiers: MedGen C2713442, MONDO:0021056, OMIM 175100. Disease mechanism: loss of function.

Submission:

Labcorp Genetics (formerly Invitae), Labcorp
Classification: Uncertain significance for Familial adenomatous polyposis 1. Last evaluated: 2021-06-19. Review status: criteria provided, single submitter. Criteria: Invitae Variant Classification Sherloc (09022015). Collection method: clinical testing. Allele origin: germline.
Comment: Experimental studies and prediction algorithms are not available or were not evaluated, and the functional significance of this variant is currently unknown. This variant has not been reported in the literature in individuals with APC-related conditions. The frequency data for this variant in the population databases is considered unreliable, as metrics indicate insufficient coverage at this position in the ExAC database. This variant occurs in a non-coding region of the APC gene. It does not change the encoded amino acid sequence of the APC protein. In summary, the available evidence is currently insufficient to determine the role of this variant in disease. Therefore, it has been classified as a Variant of Uncertain Significance.

NM_001127511.3(APC):c.160T>C (p.Trp54Arg)

Gene: APC (APC regulator of Wnt signaling pathway; plus strand). Cytogenetic location: 5q22.2.
Variant type: single nucleotide variant.
Coding change: c.160T>C on transcript NM_001127511.3; coding-DNA position 160, T replaced by C.
Protein change: p.Trp54Arg; replaces tryptophan 54 with arginine.
Molecular consequence: missense variant. On other transcripts: 5 prime UTR variant (8), non-coding transcript variant (1), intron variant (5).
Genome position (GRCh38, 1-based): chr5:112,707,877, T>C. VCF-style: chr5-112707877-T-C. GRCh37 (hg19) VCF-style: chr5-112043574-T-C.
Other names: c.-24T>C (NM_001354895.2, NM_001407447.1, NM_001407452.1 and 3 more transcripts); c.160T>C, p.Trp54Arg (NM_001354897.2, NM_001354902.2, NM_001407446.1); c.-1059T>C (NM_001407470.1, NM_001407472.1); c.-19+228T>C (NM_001407448.1, NM_001407450.1, NM_001407457.1 and 1 more transcripts); c.-43+228T>C (NM_001407453.1); short protein forms W54R.
Identifiers: ClinVar variation 1362509 (VCV001362509.7), dbSNP rs2149631477, ClinGen allele CA360612207.
Genomic context (GRCh38, chr5:112,707,877, plus strand): 5'-GTCCGGCAGGAGACGAAGAGCCCGGGCGGCGCTCGTACTTCTGGCCACTGGGCGAGCGTC[T>C]GGCAGGTGAGTGAGGCTGCAGGCATTGACGTCTCCTCCCGGCAAAGCTTCCTCGGCTTTG-3'